The following is an entry in ClinVar:

NM_173477.5(USH1G):c.554C>G (p.Thr185Ser)

Gene: USH1G (USH1 protein network component sans; minus strand). Cytogenetic location: 17q25.1.
Variant type: single nucleotide variant.
Coding change: c.554C>G on transcript NM_173477.5 (MANE Select); coding-DNA position 554, C replaced by G.
Protein change: p.Thr185Ser; replaces threonine 185 with serine.
Molecular consequence: missense variant.
Genome position (GRCh38, 1-based): chr17:74,920,282, G>C on the plus strand (C>G on the coding strand, the complement: USH1G is on the minus strand). VCF-style: chr17-74920282-G-C. GRCh37 (hg19) VCF-style: chr17-72916377-G-C.
Other names: c.245C>G, p.Thr82Ser (NM_001282489.3); short protein forms T185S, T82S.
Identifiers: ClinVar variation 1008994 (VCV001008994.6), dbSNP rs2038924179, ClinGen allele CA400964540.

ClinVar aggregate classification (germline): Uncertain significance (1 of 4 stars; one submission).

Submission:

Labcorp Genetics (formerly Invitae), Labcorp
Classification: Uncertain significance. Last evaluated: 2022-07-30. Review status: criteria provided, single submitter. Criteria: Invitae Variant Classification Sherloc (09022015). Collection method: clinical testing. Allele origin: germline.
Comment: This sequence change replaces threonine, which is neutral and polar, with serine, which is neutral and polar, at codon 185 of the USH1G protein (p.Thr185Ser). This variant is not present in population databases (gnomAD no frequency). This variant has not been reported in the literature in individuals affected with USH1G-related conditions. ClinVar contains an entry for this variant (Variation ID: 1008994). Algorithms developed to predict the effect of missense changes on protein structure and function are either unavailable or do not agree on the potential impact of this missense change (SIFT: "Not Available"; PolyPhen-2: "Benign"; Align-GVGD: "Not Available"). Algorithms developed to predict the effect of sequence changes on RNA splicing suggest that this variant may create or strengthen a splice site. In summary, the available evidence is currently insufficient to determine the role of this variant in disease. Therefore, it has been classified as a Variant of Uncertain Significance.